The following is an entry in ClinVar:

ClinVar aggregate classification (germline): Uncertain significance. Review status: criteria provided, multiple submitters, no conflicts (2 of 4 stars). 3 submissions from 3 submitters: Uncertain significance (3). Last evaluated 2026-03-17.

Conditions:
NCKAP1L-related disorder. Also called: NCKAP1L-related condition.

gnomAD v4.1: 108 of 1,613,834 alleles (0.0067%); highest among the groups gnomAD compares: Non-Finnish European, 0.0089%; no homozygotes.

Submissions (3):

PreventionGenetics, part of Exact Sciences
Classification: Uncertain significance for NCKAP1L-related condition. Last evaluated: 2026-03-17. Review status: criteria provided, single submitter. Criteria: ACMG Guidelines, 2015. Collection method: clinical testing. Allele origin: germline.
Comment: The NCKAP1L c.322C>A variant is predicted to result in the amino acid substitution p.Leu108Ile. To our knowledge, this variant has not been reported in the literature. This variant is reported in 0.0039% of alleles in individuals of European (Non-Finnish) descent in gnomAD. At this time, the clinical significance of this variant is uncertain due to the absence of conclusive functional and genetic evidence.

Ambry Genetics
Classification: Uncertain significance. Last evaluated: 2025-04-12. Review status: criteria provided, single submitter. Criteria: Ambry Variant Classification Scheme 2023. Collection method: clinical testing. Allele origin: germline.

Labcorp Genetics (formerly Invitae), Labcorp
Classification: Uncertain significance. Last evaluated: 2024-03-13. Review status: criteria provided, single submitter. Criteria: Invitae Variant Classification Sherloc (09022015). Collection method: clinical testing. Allele origin: germline.
Comment: This sequence change replaces leucine, which is neutral and non-polar, with isoleucine, which is neutral and non-polar, at codon 108 of the NCKAP1L protein (p.Leu108Ile). This variant is present in population databases (rs753059427, gnomAD 0.004%). This variant has not been reported in the literature in individuals affected with NCKAP1L-related conditions. An algorithm developed to predict the effect of missense changes on protein structure and function (PolyPhen-2) suggests that this variant is likely to be disruptive. In summary, the available evidence is currently insufficient to determine the role of this variant in disease. Therefore, it has been classified as a Variant of Uncertain Significance.

NM_005337.5(NCKAP1L):c.322C>A (p.Leu108Ile)

Gene: NCKAP1L (NCK associated protein 1 like; plus strand). Cytogenetic location: 12q13.2.
Variant type: single nucleotide variant.
Coding change: c.322C>A on transcript NM_005337.5 (MANE Select); coding-DNA position 322, C replaced by A.
Protein change: p.Leu108Ile; replaces leucine 108 with isoleucine.
Molecular consequence: missense variant.
Genome position (GRCh38, 1-based): chr12:54,507,868, C>A. VCF-style: chr12-54507868-C-A. GRCh37 (hg19) VCF-style: chr12-54901652-C-A.
Other names: c.322C>A (NM_005337.4); c.172C>A, p.Leu58Ile (NM_001184976.2); short protein forms L108I, L58I.
Identifiers: ClinVar variation 3711647 (VCV003711647.3).